The following is an entry in ClinVar:

NM_001358921.2(COQ2):c.589C>T (p.Leu197=)

Gene: COQ2 (coenzyme Q2, polyprenyltransferase; minus strand). Cytogenetic location: 4q21.23.
Variant type: single nucleotide variant.
Coding change: c.589C>T on transcript NM_001358921.2 (MANE Select); coding-DNA position 589, C replaced by T.
Protein change: p.Leu197=; no amino-acid change (leucine 197 retained).
Molecular consequence: synonymous variant.
Genome position (GRCh38, 1-based): chr4:83,272,126, G>A on the plus strand (C>T on the coding strand, the complement: COQ2 is on the minus strand). VCF-style: chr4-83272126-G-A. GRCh37 (hg19) VCF-style: chr4-84193279-G-A.
Other names: c.739C>T, p.Leu247= (NM_015697.9); c.739C>T (NM_015697.7).
Identifiers: ClinVar variation 2189878 (VCV002189878.6), dbSNP rs369956047, ClinGen allele CA2988551.

ClinVar aggregate classification (germline): Likely benign. Review status: criteria provided, multiple submitters, no conflicts (2 of 4 stars). 3 submissions from 3 submitters: Likely benign (3). Last evaluated 2026-03-23.

Conditions:
COQ2-related disorder. Also called: COQ2-related condition.

Allele frequency attached by ClinVar (database versions not stated): ExAC 0.00022; 1000 Genomes Project 30x 0.00078; 1000 Genomes Project 0.00080.

Submissions (3):

PreventionGenetics, part of Exact Sciences
Classification: Likely benign for COQ2-related condition. Last evaluated: 2026-03-23. Review status: criteria provided, single submitter. Criteria: ACMG Guidelines, 2015. Collection method: clinical testing. Allele origin: germline.
Comment: This variant is classified as likely benign based on ACMG/AMP sequence variant interpretation guidelines (Richards et al. 2015 PMID: 25741868, with internal and published modifications).

Labcorp Genetics (formerly Invitae), Labcorp
Classification: Likely benign. Last evaluated: 2025-09-20. Review status: criteria provided, single submitter. Criteria: Invitae Variant Classification Sherloc (09022015). Collection method: clinical testing. Allele origin: germline.

Blueprint Genetics
Classification: Likely benign. Last evaluated: 2024-11-08. Review status: criteria provided, single submitter. Criteria: ACMG Guidelines, 2015. Collection method: clinical testing. Allele origin: germline.